The following is an entry in ClinVar:

ClinVar aggregate classification (germline): Uncertain significance (1 of 4 stars; one submission).

Submission:

Mayo Clinic Laboratories, Mayo Clinic
Classification: Uncertain significance. Last evaluated: 2024-01-11. Review status: criteria provided, single submitter. Criteria: ACMG Guidelines, 2015. Collection method: clinical testing. Allele origin: germline. Observed: 1 variant allele.
Comment: BP4, PM2_moderate

NM_178554.6(KY):c.399T>A (p.His133Gln)

Genes: CEP63 (centrosomal protein 63; plus strand), KY (kyphoscoliosis peptidase; minus strand). Cytogenetic location: 3q22.2.
Variant type: single nucleotide variant.
Coding change: c.399T>A on transcript NM_178554.6 (MANE Select); coding-DNA position 399, T replaced by A.
Protein change: p.His133Gln; replaces histidine 133 with glutamine.
Molecular consequence: missense variant.
Genome position (GRCh38, 1-based): chr3:134,627,757, A>T on the plus strand (T>A on the coding strand, the complement: KY is on the minus strand). VCF-style: chr3-134627757-A-T. GRCh37 (hg19) VCF-style: chr3-134346599-A-T.
Other names: p.His133Gln; c.351T>A, p.His117Gln (NM_001350859.2); c.273T>A, p.His91Gln (NM_001350860.2); c.336T>A, p.His112Gln (NM_001366276.1); c.399T>A, p.His133Gln (NM_001366277.2); short protein forms H112Q, H117Q, H133Q, H91Q.
Identifiers: ClinVar variation 3379497 (VCV003379497.1).